The following is an entry in ClinVar:

NM_000435.3(NOTCH3):c.1492+1G>A

Gene: NOTCH3 (notch receptor 3; minus strand). Cytogenetic location: 19p13.12.
Variant type: single nucleotide variant.
Coding change: c.1492+1G>A on transcript NM_000435.3 (MANE Select); the canonical splice donor site of the intron after coding-DNA position 1492, G replaced by A.
Molecular consequence: splice donor variant.
Genome position (GRCh38, 1-based): chr19:15,188,234, C>T on the plus strand (G>A on the coding strand, the complement: NOTCH3 is on the minus strand). VCF-style: chr19-15188234-C-T. GRCh37 (hg19) VCF-style: chr19-15299045-C-T.
Identifiers: ClinVar variation 1809996 (VCV001809996.2), dbSNP rs2512659895, ClinGen allele CA404526707.

ClinVar aggregate classification (germline): Likely pathogenic (1 of 4 stars; one submission).

Submission:

GeneDx
Classification: Likely pathogenic. Last evaluated: 2024-03-08. Review status: criteria provided, single submitter. Criteria: GeneDx Variant Classification Process June 2021. Collection method: clinical testing. Allele origin: germline. Affected: yes.
Comment: Canonical splice site variant predicted to result in an in-frame loss of the adjacent exon in a gene for which loss of function is a known mechanism of disease; Not observed at significant frequency in large population cohorts (gnomAD); Has not been previously published as pathogenic or benign to our knowledge